The following is an entry in ClinVar:

NM_002979.5(SCP2):c.409A>G (p.Thr137Ala)

Gene: SCP2 (sterol carrier protein 2; plus strand). Cytogenetic location: 1p32.3.
Variant type: single nucleotide variant.
Coding change: c.409A>G on transcript NM_002979.5 (MANE Select); coding-DNA position 409, A replaced by G.
Protein change: p.Thr137Ala; replaces threonine 137 with alanine.
Molecular consequence: missense variant.
Genome position (GRCh38, 1-based): chr1:52,961,515, A>G. VCF-style: chr1-52961515-A-G. GRCh37 (hg19) VCF-style: chr1-53427187-A-G.
Other names: c.277A>G, p.Thr93Ala (NM_001007098.3, NM_001193600.2); c.337A>G, p.Thr113Ala (NM_001193599.2); c.166A>G, p.Thr56Ala (NM_001193617.2); c.409A>G, p.Thr137Ala (NM_001330587.2); short protein forms T113A, T137A, T56A, T93A.
Identifiers: ClinVar variation 1434627 (VCV001434627.6), dbSNP rs2150143376, ClinGen allele CA340377645.

ClinVar aggregate classification (germline): Uncertain significance (1 of 4 stars; one submission).

Submission:

Labcorp Genetics (formerly Invitae), Labcorp
Classification: Uncertain significance. Last evaluated: 2021-10-29. Review status: criteria provided, single submitter. Criteria: Invitae Variant Classification Sherloc (09022015). Collection method: clinical testing. Allele origin: germline.
Comment: In summary, the available evidence is currently insufficient to determine the role of this variant in disease. Therefore, it has been classified as a Variant of Uncertain Significance. Algorithms developed to predict the effect of missense changes on protein structure and function output the following: SIFT: "Tolerated"; PolyPhen-2: "Benign"; Align-GVGD: "Class C0". The alanine amino acid residue is found in multiple mammalian species, which suggests that this missense change does not adversely affect protein function. This variant has not been reported in the literature in individuals affected with SCP2-related conditions. This variant is not present in population databases (gnomAD no frequency). This sequence change replaces threonine, which is neutral and polar, with alanine, which is neutral and non-polar, at codon 137 of the SCP2 protein (p.Thr137Ala).